The following is an entry in ClinVar:

ClinVar aggregate classification (germline): Uncertain significance (1 of 4 stars; one submission).

Submission:

Labcorp Genetics (formerly Invitae), Labcorp
Classification: Uncertain significance. Last evaluated: 2021-08-07. Review status: criteria provided, single submitter. Criteria: Invitae Variant Classification Sherloc (09022015). Collection method: clinical testing. Allele origin: germline.
Comment: This variant has not been reported in the literature in individuals affected with ARHGEF1-related conditions. In summary, the available evidence is currently insufficient to determine the role of this variant in disease. Therefore, it has been classified as a Variant of Uncertain Significance. Algorithms developed to predict the effect of missense changes on protein structure and function are either unavailable or do not agree on the potential impact of this missense change (SIFT: "Deleterious"; PolyPhen-2: "Possibly Damaging"; Align-GVGD: "Class C0"). This variant is not present in population databases (ExAC no frequency). This sequence change replaces glycine with arginine at codon 195 of the ARHGEF1 protein (p.Gly195Arg). The glycine residue is moderately conserved and there is a moderate physicochemical difference between glycine and arginine.

NM_004706.4(ARHGEF1):c.538G>A (p.Gly180Arg)

Gene: ARHGEF1 (Rho guanine nucleotide exchange factor 1; plus strand). Cytogenetic location: 19q13.2.
Variant type: single nucleotide variant.
Coding change: c.538G>A on transcript NM_004706.4 (MANE Select); coding-DNA position 538, G replaced by A.
Protein change: p.Gly180Arg; replaces glycine 180 with arginine.
Molecular consequence: missense variant.
Genome position (GRCh38, 1-based): chr19:41,892,773, G>A. VCF-style: chr19-41892773-G-A. GRCh37 (hg19) VCF-style: chr19-42396844-G-A.
Other names: c.439G>A, p.Gly147Arg (NM_198977.2); c.583G>A, p.Gly195Arg (NM_199002.2); short protein forms G180R, G147R, G195R.
Identifiers: ClinVar variation 1482953 (VCV001482953.6), dbSNP rs2123412146, ClinGen allele CA406048398.